The following is an entry in ClinVar:

ClinVar aggregate classification (germline): Uncertain significance. Review status: criteria provided, multiple submitters, no conflicts (2 of 4 stars). 2 submissions from 2 submitters: Uncertain significance (2). Last evaluated 2026-05-14.

Conditions:
Inborn genetic diseases. Identifiers: MedGen C0950123, MeSH D030342.

gnomAD v4.1: 1 of 1,612,810 alleles (0.000062%); highest among the groups gnomAD compares: Admixed American, 0.0017%; no homozygotes.

Submissions (2):

Ambry Genetics
Classification: Uncertain significance for Inborn genetic diseases. Last evaluated: 2026-05-14. Review status: criteria provided, single submitter. Criteria: Ambry Variant Classification Scheme 2023. Collection method: clinical testing. Allele origin: germline.
Comment: The p.P1132S variant (also known as c.3394C>T), located in coding exon 15 of the MECOM gene, results from a C to T substitution at nucleotide position 3394. The proline at codon 1132 is replaced by serine, an amino acid with similar properties. This amino acid position is conserved. In addition, this alteration is predicted to be tolerated by in silico analysis. Based on the available evidence, the clinical significance of this variant remains unclear.

Labcorp Genetics (formerly Invitae), Labcorp
Classification: Uncertain significance. Last evaluated: 2025-04-24. Review status: criteria provided, single submitter. Criteria: Invitae Variant Classification Sherloc (09022015). Collection method: clinical testing. Allele origin: germline.
Comment: This sequence change replaces proline, which is neutral and non-polar, with serine, which is neutral and polar, at codon 944 of the MECOM protein (p.Pro944Ser). This variant is present in population databases (no rsID available, gnomAD 0.003%). This variant has not been reported in the literature in individuals affected with MECOM-related conditions. ClinVar contains an entry for this variant (Variation ID: 2802630). An algorithm developed to predict the effect of missense changes on protein structure and function (PolyPhen-2) suggests that this variant is likely to be tolerated. In summary, the available evidence is currently insufficient to determine the role of this variant in disease. Therefore, it has been classified as a Variant of Uncertain Significance.

NM_004991.4(MECOM):c.3394C>T (p.Pro1132Ser)

Gene: MECOM (MDS1 and EVI1 complex locus; minus strand). Cytogenetic location: 3q26.2.
Variant type: single nucleotide variant.
Coding change: c.3394C>T on transcript NM_004991.4 (MANE Select); coding-DNA position 3394, C replaced by T.
Protein change: p.Pro1132Ser; replaces proline 1132 with serine.
Molecular consequence: missense variant.
Genome position (GRCh38, 1-based): chr3:169,090,007, G>A on the plus strand (C>T on the coding strand, the complement: MECOM is on the minus strand). VCF-style: chr3-169090007-G-A. GRCh37 (hg19) VCF-style: chr3-168807795-G-A.
Other names: c.2395C>T, p.Pro799Ser (NM_001366473.2); c.1831C>T, p.Pro611Ser (NM_001366474.2); c.2830C>T, p.Pro944Ser (NM_005241.4, NM_001105078.4, NM_001205194.2 and 1 more transcripts); c.3394C>T (NM_004991.3); c.3025C>T, p.Pro1009Ser (NM_001105077.4); c.2806C>T, p.Pro936Ser (NM_001163999.2, NM_001366470.2); c.2803C>T, p.Pro935Ser (NM_001164000.2, NM_001366471.2, NM_001366472.2); c.3367C>T, p.Pro1123Ser (NM_001366466.2); and 1 more; short protein forms P1009S, P799S, P935S, P936S, P944S, P1132S, P611S, P945S.
Identifiers: ClinVar variation 2802630 (VCV002802630.4), dbSNP rs778470697, ClinGen allele CA355067966.
Genomic context (GRCh38, chr3:169,090,007, plus strand): 5'-ACCGTACATGGATCTACTCTAGCTTAGTTTCTAAAGTCACCCAAGGTACTCACCTCACTG[G>A]GGATGTCTTGCAACTCATCTCCAGGGCACTGGTTTCTTCATAGTCATCCTCAGGGTTTCC-3'
Protein context (NP_004982.2, residues 1122-1142): SALEMSCKTS[Pro1132Ser]VRYKEEEYKS